The following is an entry in ClinVar:

NM_000637.5(GSR):c.476A>T (p.Gln159Leu)

Gene: GSR (glutathione-disulfide reductase; minus strand). Cytogenetic location: 8p12.
Variant type: single nucleotide variant.
Coding change: c.476A>T on transcript NM_000637.5 (MANE Select); coding-DNA position 476, A replaced by T.
Protein change: p.Gln159Leu; replaces glutamine 159 with leucine.
Molecular consequence: missense variant.
Genome position (GRCh38, 1-based): chr8:30,708,088, T>A on the plus strand (A>T on the coding strand, the complement: GSR is on the minus strand). VCF-style: chr8-30708088-T-A. GRCh37 (hg19) VCF-style: chr8-30565605-T-A.
Other names: p.Gln159Leu; c.476A>T (NM_000637.3); c.476A>T, p.Gln159Leu (NM_001195102.3, NM_001195103.3, NM_001195104.3); short protein forms Q159L.
Identifiers: ClinVar variation 2689172 (VCV002689172.4), dbSNP rs759955082, ClinGen allele CA4701510.
Genomic context (GRCh38, chr8:30,708,088, plus strand): 5'-AAGGGAACAGCTCTTTCTCAAAGTTAAAAACCCAGCATACACACCTTGGTGAGATTGTTT[T>A]GATAGATGGCATTCAGGCGGCTCACATAGGCATCCCGCTTTTCCTTAATAACACTGCAAT-3'
Protein context (NP_000628.2, residues 149-169): AYVSRLNAIY[Gln159Leu]NNLTKSHIEI

ClinVar aggregate classification (germline): Uncertain significance. Review status: criteria provided, multiple submitters, no conflicts (2 of 4 stars). 3 submissions from 3 submitters: Uncertain significance (3). Last evaluated 2023-11-29.

Conditions:
Hemolytic anemia due to glutathione reductase deficiency (CNSHA10). Also called: ANEMIA, CONGENITAL, NONSPHEROCYTIC HEMOLYTIC, 10. Identifiers: Orphanet 90030, MedGen C5231513, MONDO:0019531, OMIM 618660.

Allele frequency attached by ClinVar (database versions not stated): ExAC 0.00001; gnomAD 0.00007; TOPMed 0.00007.
gnomAD v4.1: 19 of 1,612,948 alleles (0.0012%); highest among the groups gnomAD compares: African/African-American, 0.024%; no homozygotes.

Submissions (3):

Ambry Genetics
Classification: Uncertain significance. Last evaluated: 2023-11-29. Review status: criteria provided, single submitter. Criteria: Ambry Variant Classification Scheme 2023. Collection method: clinical testing. Allele origin: germline.

Mayo Clinic Laboratories, Mayo Clinic
Classification: Uncertain significance. Last evaluated: 2023-06-28. Review status: criteria provided, single submitter. Criteria: ACMG Guidelines, 2015. Collection method: clinical testing. Allele origin: germline. Observed: 1 variant allele.
Comment: BP4, PM2_moderate

Revvity Omics, Revvity
Classification: Uncertain significance for Hemolytic anemia due to glutathione reductase deficiency. Last evaluated: 2023-05-18. Review status: criteria provided, single submitter. Criteria: ACMG Guidelines, 2015. Collection method: clinical testing. Allele origin: germline.